The following is an entry in ClinVar:

NC_000023.10:g.118373226_118500408del

Gene: PGRMC1 (progesterone receptor membrane component 1; plus strand). Cytogenetic location: Xq24.
Variant type: Deletion.
Identifiers: ClinVar variation 988887 (VCV000988887.2).

ClinVar aggregate classification (germline): Pathogenic (1 of 4 stars; one submission).

Conditions:
Developmental cataract. Also called: Congenital cataracts; Bilateral cataracts; Congenital cataract. Identifiers: MedGen C0009691, HP:0000519.

Submission:

Dept. Genetics and Cancer, Menzies Institute for Medical Research, University of Tasmania
Classification: Pathogenic for Developmental cataract. Last evaluated: 2020-12-01. Review status: criteria provided, single submitter. Criteria: ACMG Guidelines, 2015. Collection method: research. Allele origin: germline. Affected: yes.
Comment: This variant results in a partial PGRMC1 gene deletion involving 2+ exons, that will result in a null variant or grossly abnormal protein with an unknown functional effect if present, when assessed using Brandt et al. 2020 (Genet Med. 2020) adaptive ACMG/AMP guidelines for CNVs. In vivo knock-down provides supportive evidence of the damaging effect off gene loss and phenotype development. Variant is absent from controls or observed at an extremely low frequency. Variant cosegregates with the disease in the family with greater than or equal to seven meiosis, with evidence level provided according to Jarvik et al. (Am. J. Hum. Genet. 2016) for considering cosegregation in pathogenicity classification. Evidence of comparable deletions in two unrelated individuals with a comparable phenotype.

Literature cited by the submitters: PubMed 33867527.